The following is an entry in ClinVar:

NM_001142864.4(PIEZO1):c.3875T>G (p.Phe1292Cys)

Gene: PIEZO1 (piezo type mechanosensitive ion channel component 1 (Er blood group); minus strand). Cytogenetic location: 16q24.3.
Variant type: single nucleotide variant.
Coding change: c.3875T>G on transcript NM_001142864.4 (MANE Select); coding-DNA position 3875, T replaced by G.
Protein change: p.Phe1292Cys; replaces phenylalanine 1292 with cysteine.
Molecular consequence: missense variant.
Genome position (GRCh38, 1-based): chr16:88,726,377, A>C on the plus strand (T>G on the coding strand, the complement: PIEZO1 is on the minus strand). VCF-style: chr16-88726377-A-C. GRCh37 (hg19) VCF-style: chr16-88792785-A-C.
Other names: c.2417T>G, p.Phe806Cys (NM_014745.1); c.3875T>G (NM_001142864.2); short protein forms F1292C, F806C.
Identifiers: ClinVar variation 2158649 (VCV002158649.3), dbSNP rs778813372, ClinGen allele CA8232321.

ClinVar aggregate classification (germline): Conflicting classifications of pathogenicity. Review status: criteria provided, conflicting classifications (1 of 4 stars). 3 submissions from 3 submitters: Uncertain significance (2); Benign (1). Last evaluated 2024-05-08.

Conditions:
Inborn genetic diseases. Identifiers: MedGen C0950123, MeSH D030342.
Lymphatic malformation 6 (LMPHM6). Also called: GENERALIZED LYMPHATIC DYSPLASIA OF FOTIOU; Lymphedema, hereditary, III; PIEZO1-related generalized lymphatic dysplasia with non-immune hydrops fetalis. Identifiers: Orphanet 568062, MedGen C4225184, MONDO:0014797, OMIM 616843.

Allele frequency attached by ClinVar (database versions not stated): TOPMed 0.00003; gnomAD exomes 0.00007; ExAC 0.00010; gnomAD 0.00005.
gnomAD v4.1: 109 of 1,550,306 alleles (0.007%); highest among the groups gnomAD compares: East Asian, 0.0098%; no homozygotes.

Submissions (3):

Clinical Genomics Laboratory, Washington University in St. Louis
Classification: Uncertain significance for Lymphatic malformation 6. Last evaluated: 2024-05-08. Review status: criteria provided, single submitter. Criteria: ACMG Guidelines, 2015. Collection method: clinical testing. Allele origin: germline.
Comment: The PIEZO1 c.3875T>G (p.Phe1292Cys) variant was identified at a near-heterozygous allelic fraction of 48%, a frequency which may be consistent with it being of germline origin. This variant, to our knowledge, has not been reported in the medical literature. Computational predictors are uncertain as to the impact of this variant on PIEZO1 function. This variant has been reported in the ClinVar database as a variant of uncertain significance by one submitter and a benign variant by another submitter (ClinVar ID: 2158649). This variant is only observed on 109/1,550,306 alleles in the general population (gnomAD v4.1.0) indicating it is not a common variant. Due to limited information, and based on ACMG/AMP guidelines for variant interpretation (Richards S et al., PMID: 25741868), the clinical significance of this variant is uncertain at this time.

Ambry Genetics
Classification: Uncertain significance for Inborn genetic diseases. Last evaluated: 2024-02-27. Review status: criteria provided, single submitter. Criteria: Ambry Variant Classification Scheme 2023. Collection method: clinical testing. Allele origin: germline.

Labcorp Genetics (formerly Invitae), Labcorp
Classification: Benign. Last evaluated: 2022-10-20. Review status: criteria provided, single submitter. Criteria: Invitae Variant Classification Sherloc (09022015). Collection method: clinical testing. Allele origin: germline.